The following is an entry in ClinVar:

NM_004655.4(AXIN2):c.485A>C (p.Lys162Thr)

Gene: AXIN2 (axin 2; minus strand). Cytogenetic location: 17q24.1.
Variant type: single nucleotide variant.
Coding change: c.485A>C on transcript NM_004655.4 (MANE Select); coding-DNA position 485, A replaced by C.
Protein change: p.Lys162Thr; replaces lysine 162 with threonine.
Molecular consequence: missense variant.
Genome position (GRCh38, 1-based): chr17:65,558,136, T>G on the plus strand (A>C on the coding strand, the complement: AXIN2 is on the minus strand). VCF-style: chr17-65558136-T-G. GRCh37 (hg19) VCF-style: chr17-63554254-T-G.
Other names: c.485A>C (LRG_296t1); c.485A>C, p.Lys162Thr (NM_001363813.1); short protein forms K162T.
Identifiers: ClinVar variation 533149 (VCV000533149.10), dbSNP rs370606806, ClinGen allele CA400681221.

ClinVar aggregate classification (germline): Uncertain significance (1 of 4 stars; one submission).

Conditions:
Oligodontia-cancer predisposition syndrome. Also called: TOOTH AGENESIS-COLORECTAL CANCER SYNDROME. Identifiers: Orphanet 300576, MedGen C1837750, MONDO:0012075, OMIM 608615. Disease mechanism: loss of function.

Allele frequency attached by ClinVar (database versions not stated): gnomAD exomes below 0.00001.
gnomAD v4.1: 2 of 1,614,174 alleles (0.00012%); highest among the groups gnomAD compares: African/African-American, 0.0013%; no homozygotes.

Submission:

Labcorp Genetics (formerly Invitae), Labcorp
Classification: Uncertain significance for Oligodontia-cancer predisposition syndrome. Last evaluated: 2022-07-25. Review status: criteria provided, single submitter. Criteria: Invitae Variant Classification Sherloc (09022015). Collection method: clinical testing. Allele origin: germline.
Comment: ClinVar contains an entry for this variant (Variation ID: 533149). In summary, the available evidence is currently insufficient to determine the role of this variant in disease. Therefore, it has been classified as a Variant of Uncertain Significance. Algorithms developed to predict the effect of missense changes on protein structure and function are either unavailable or do not agree on the potential impact of this missense change (SIFT: "Tolerated"; PolyPhen-2: "Probably Damaging"; Align-GVGD: "Class C0"). This variant has not been reported in the literature in individuals affected with AXIN2-related conditions. This variant is not present in population databases (gnomAD no frequency). This sequence change replaces lysine, which is basic and polar, with threonine, which is neutral and polar, at codon 162 of the AXIN2 protein (p.Lys162Thr).